The following is an entry in ClinVar:

NM_001009944.3(PKD1):c.12162C>T (p.Ser4054=)

Gene: PKD1 (polycystin 1, transient receptor potential channel interacting; minus strand). Cytogenetic location: 16p13.3.
Variant type: single nucleotide variant.
Coding change: c.12162C>T on transcript NM_001009944.3 (MANE Select); coding-DNA position 12162, C replaced by T.
Protein change: p.Ser4054=; no amino-acid change (serine 4054 retained).
Molecular consequence: synonymous variant.
Genome position (GRCh38, 1-based): chr16:2,090,567, G>A on the plus strand (C>T on the coding strand, the complement: PKD1 is on the minus strand). VCF-style: chr16-2090567-G-A. GRCh37 (hg19) VCF-style: chr16-2140568-G-A.
Other names: p.Ser4054=; c.12159C>T, p.Ser4053= (NM_000296.4).
Identifiers: ClinVar variation 994709 (VCV000994709.3), dbSNP rs143802974, ClinGen allele CA7828744.

ClinVar aggregate classification (germline): Likely benign. Review status: criteria provided, multiple submitters, no conflicts (2 of 4 stars). 3 submissions from 3 submitters: Likely benign (3). Last evaluated 2025-03-06.

Allele frequency attached by ClinVar (database versions not stated): TOPMed 0.00013; ExAC 0.00017; ESP Exome Variant Server 0.00023.
gnomAD v4.1: 299 of 1,609,056 alleles (0.019%); highest among the groups gnomAD compares: Non-Finnish European, 0.025%; no homozygotes.

Submissions (3):

Mayo Clinic Laboratories, Mayo Clinic
Classification: Likely benign. Last evaluated: 2025-03-06. Review status: criteria provided, single submitter. Criteria: ACMG Guidelines, 2015. Collection method: clinical testing. Allele origin: germline. Observed: 1 variant allele.
Comment: BP4, BP7

Blueprint Genetics
Classification: Likely benign. Last evaluated: 2023-12-04. Review status: criteria provided, single submitter. Criteria: ACMG Guidelines, 2015. Collection method: clinical testing. Allele origin: germline.

Athena Diagnostics
Classification: Likely benign. Last evaluated: 2019-12-30. Review status: criteria provided, single submitter. Criteria: Athena Diagnostics Criteria. Collection method: clinical testing. Allele origin: unknown.